The following is an entry in ClinVar:

NM_000521.4(HEXB):c.771+1G>C

Gene: HEXB (hexosaminidase subunit beta; plus strand). Cytogenetic location: 5q13.3.
Variant type: single nucleotide variant.
Coding change: c.771+1G>C on transcript NM_000521.4 (MANE Select); the canonical splice donor site of the intron after coding-DNA position 771, G replaced by C.
Molecular consequence: splice donor variant.
Genome position (GRCh38, 1-based): chr5:74,705,321, G>C. VCF-style: chr5-74705321-G-C. GRCh37 (hg19) VCF-style: chr5-74001146-G-C.
Other names: c.96+1G>C (NM_001292004.2).
Identifiers: ClinVar variation 4814294 (VCV004814294.1).

ClinVar aggregate classification (germline): Likely pathogenic (1 of 4 stars; one submission).

Conditions:
Sandhoff disease. Also called: GM2-GANGLIOSIDOSIS, TYPE II; HEXOSAMINIDASES A AND B DEFICIENCY; Beta-hexosaminidase-beta-subunit deficiency; GM2 gangliosidosis, type 2; Total hexosaminidase deficiency; Sandhoff-Jatzkewitz-Pilz disease. Identifiers: Orphanet 796, MedGen C0036161, MONDO:0010006, OMIM 268800.

Submission:

Natera, Inc.
Classification: Likely pathogenic for Sandhoff disease. Last evaluated: 2025-12-30. Review status: criteria provided, single submitter. Criteria: Natera Variant Classification Schema (03/2026). Collection method: clinical testing. Allele origin: germline.
Comment: The c.771+1G>C variant in HEXB is a canonical splice donor site variant predicted to affect pre-mRNA splicing, which may result in an abnormal transcript and altered protein product. This variant is expected to result in nonsense mediated decay, truncation, or a dysfunctional protein product. This variant is rare in the general population with a frequency below the threshold expected for the associated phenotype(s). Given the available evidence, this variant is classified as Likely Pathogenic.